The following is an entry in ClinVar:

NM_001184.4(ATR):c.6446T>C (p.Ile2149Thr)

Gene: ATR (ATR checkpoint kinase; minus strand). Cytogenetic location: 3q23.
Variant type: single nucleotide variant.
Coding change: c.6446T>C on transcript NM_001184.4 (MANE Select); coding-DNA position 6446, T replaced by C.
Protein change: p.Ile2149Thr; replaces isoleucine 2149 with threonine.
Molecular consequence: missense variant.
Genome position (GRCh38, 1-based): chr3:142,469,443, A>G on the plus strand (T>C on the coding strand, the complement: ATR is on the minus strand). VCF-style: chr3-142469443-A-G. GRCh37 (hg19) VCF-style: chr3-142188285-A-G.
Other names: c.6254T>C, p.Ile2085Thr (NM_001354579.2); short protein forms I2085T, I2149T.
Identifiers: ClinVar variation 2453605 (VCV002453605.2), dbSNP rs2473070638, ClinGen allele CA354804752.

ClinVar aggregate classification (germline): Uncertain significance (1 of 4 stars; one submission).

Conditions:
Inborn genetic diseases. Identifiers: MedGen C0950123, MeSH D030342.

Submission:

Ambry Genetics
Classification: Uncertain significance for Inborn genetic diseases. Last evaluated: 2023-03-05. Review status: criteria provided, single submitter. Criteria: Ambry Variant Classification Scheme 2023. Collection method: clinical testing. Allele origin: germline.
Comment: The p.I2149T variant (also known as c.6446T>C), located in coding exon 38 of the ATR gene, results from a T to C substitution at nucleotide position 6446. The isoleucine at codon 2149 is replaced by threonine, an amino acid with similar properties. This amino acid position is conserved. In addition, the in silico prediction for this alteration is inconclusive. Since supporting evidence is limited at this time, the clinical significance of this alteration remains unclear.